The following is an entry in ClinVar:

ClinVar aggregate classification (germline): Uncertain significance (1 of 4 stars; one submission).

Submission:

Labcorp Genetics (formerly Invitae), Labcorp
Classification: Uncertain significance. Last evaluated: 2024-04-03. Review status: criteria provided, single submitter. Criteria: Invitae Variant Classification Sherloc (09022015). Collection method: clinical testing. Allele origin: germline.
Comment: This sequence change replaces glycine, which is neutral and non-polar, with aspartic acid, which is acidic and polar, at codon 337 of the RIMS1 protein (p.Gly337Asp). This variant is not present in population databases (gnomAD no frequency). This variant has not been reported in the literature in individuals affected with RIMS1-related conditions. An algorithm developed to predict the effect of missense changes on protein structure and function (PolyPhen-2) suggests that this variant is likely to be tolerated. In summary, the available evidence is currently insufficient to determine the role of this variant in disease. Therefore, it has been classified as a Variant of Uncertain Significance.

NM_014989.7(RIMS1):c.1010G>A (p.Gly337Asp)

Gene: RIMS1 (regulating synaptic membrane exocytosis 1; plus strand). Cytogenetic location: 6q13.
Variant type: single nucleotide variant.
Coding change: c.1010G>A on transcript NM_014989.7 (MANE Select); coding-DNA position 1010, G replaced by A.
Protein change: p.Gly337Asp; replaces glycine 337 with aspartic acid.
Molecular consequence: missense variant.
Genome position (GRCh38, 1-based): chr6:72,182,481, G>A. VCF-style: chr6-72182481-G-A. GRCh37 (hg19) VCF-style: chr6-72892184-G-A.
Other names: short protein forms G337D.
Identifiers: ClinVar variation 3648704 (VCV003648704.2).